The following is an entry in ClinVar:

ClinVar aggregate classification (germline): Benign. Review status: criteria provided, multiple submitters, no conflicts (2 of 4 stars). 3 submissions from 3 submitters: Benign (3). Last evaluated 2024-01-24.

Allele frequency attached by ClinVar (database versions not stated): TOPMed 0.95909; 1000 Genomes Project 30x 0.95878; 1000 Genomes Project 0.96086.
gnomAD v4.1: 876,870 of 890,478 alleles (98%); highest among the groups gnomAD compares: East Asian, 100%; 432,140 homozygotes.

Submissions (3):

Unidad de Genómica Garrahan, Hospital de Pediatría Garrahan
Classification: Benign. Last evaluated: 2024-01-24. Review status: criteria provided, single submitter. Criteria: ACMG Guidelines, 2015. Collection method: clinical testing. Allele origin: germline. Affected: no. Observed: 66 variant alleles.
Comment: This variant is classified as Benign based on local population frequency. This variant was detected in 69% of patients studied by a panel of primary immunodeficiencies. Number of patients: 66. Only high quality variants are reported.

GeneDx
Classification: Benign. Last evaluated: 2021-05-12. Review status: criteria provided, single submitter. Criteria: GeneDx Variant Classification Process June 2021. Collection method: clinical testing. Allele origin: germline. Affected: yes.

Breakthrough Genomics
Classification: Benign. Review status: criteria provided, single submitter. Criteria: ACMG Guidelines, 2015. Collection method: not provided. Allele origin: germline. Inheritance: Unknown mechanism. Affected: yes.

NM_001323329.2(MAPK8):c.-49-77C>A

Gene: MAPK8 (mitogen-activated protein kinase 8; plus strand). Cytogenetic location: 10q11.22.
Variant type: single nucleotide variant.
Coding change: c.-49-77C>A on transcript NM_001323329.2 (MANE Select); 77 bases into the intron before 49 bases upstream of the start codon, C replaced by A.
Molecular consequence: intron variant.
Genome position (GRCh38, 1-based): chr10:48,401,535, C>A. VCF-style: chr10-48401535-C-A. GRCh37 (hg19) VCF-style: chr10-49609578-C-A.
Other names: c.-49-77C>A (NM_001323302.2, NM_139049.4, NM_139046.4 and 13 more transcripts).
Identifiers: ClinVar variation 1223921 (VCV001223921.6), dbSNP rs3730154, ClinGen allele CA16388202.